The following is an entry in ClinVar:

NM_144687.4(NLRP12):c.3024C>A (p.Asn1008Lys)

Gene: NLRP12 (NLR family pyrin domain containing 12; minus strand). Cytogenetic location: 19q13.42.
Variant type: single nucleotide variant.
Coding change: c.3024C>A on transcript NM_144687.4 (MANE Select); coding-DNA position 3024, C replaced by A.
Protein change: p.Asn1008Lys; replaces asparagine 1008 with lysine.
Molecular consequence: missense variant.
Genome position (GRCh38, 1-based): chr19:53,795,933, G>T on the plus strand (C>A on the coding strand, the complement: NLRP12 is on the minus strand). VCF-style: chr19-53795933-G-T. GRCh37 (hg19) VCF-style: chr19-54299187-G-T.
Other names: c.3027C>A, p.Asn1009Lys (NM_001277126.2); c.2853C>A, p.Asn951Lys (NM_001277129.1); short protein forms N1009K, N951K, N1008K.
Identifiers: ClinVar variation 2741823 (VCV002741823.3), dbSNP rs140769141, ClinGen allele CA407407482.
Genomic context (GRCh38, chr19:53,795,933, plus strand): 5'-TTTGCAGCCAGGATGGCTCAGCCGCTTGCAAAGCAGTCGGACACCTGTGTCCCCTAGGGC[G>T]TTGTTGGTCAGGTAAAGGTCGGTCAAGGTCTGGTTGATCCCCAGGGTGAAGTAAAGATTC-3'
Protein context (NP_653288.1, residues 998-1018): QTLTDLYLTN[Asn1008Lys]ALGDTGVRLL

ClinVar aggregate classification (germline): Uncertain significance (1 of 4 stars; one submission).

Conditions:
Familial cold autoinflammatory syndrome 2 (FCAS2). Identifiers: Orphanet 247868, MedGen C2673198, MONDO:0012724, OMIM 611762.

Submission:

Labcorp Genetics (formerly Invitae), Labcorp
Classification: Uncertain significance for Familial cold autoinflammatory syndrome 2. Last evaluated: 2023-08-02. Review status: criteria provided, single submitter. Criteria: Invitae Variant Classification Sherloc (09022015). Collection method: clinical testing. Allele origin: germline.
Comment: In summary, the available evidence is currently insufficient to determine the role of this variant in disease. Therefore, it has been classified as a Variant of Uncertain Significance. This sequence change replaces asparagine, which is neutral and polar, with lysine, which is basic and polar, at codon 1008 of the NLRP12 protein (p.Asn1008Lys). This variant is not present in population databases (gnomAD no frequency). This variant has not been reported in the literature in individuals affected with NLRP12-related conditions. Experimental studies and prediction algorithms are not available or were not evaluated, and the functional significance of this variant is currently unknown.